The following is an entry in ClinVar:

NM_000166.6(GJB1):c.257C>A (p.Thr86Asn)

Gene: GJB1 (gap junction protein beta 1; plus strand). Cytogenetic location: Xq13.1.
Variant type: single nucleotide variant.
Coding change: c.257C>A on transcript NM_000166.6 (MANE Select); coding-DNA position 257, C replaced by A.
Protein change: p.Thr86Asn; replaces threonine 86 with asparagine.
Molecular consequence: missense variant.
Genome position (GRCh38, 1-based): chrX:71,223,964, C>A. VCF-style: chrX-71223964-C-A. GRCh37 (hg19) VCF-style: chrX-70443814-C-A.
Other names: c.257C>A, p.Thr86Asn (NM_001097642.3); short protein forms T86N.
Identifiers: ClinVar variation 637137 (VCV000637137.26), dbSNP rs1602349017, ClinGen allele CA413501677.

ClinVar aggregate classification (germline): Conflicting classifications of pathogenicity. Review status: criteria provided, conflicting classifications (1 of 4 stars). 3 submissions from 3 submitters: Pathogenic (1); Uncertain significance (1). 1 of the submissions does not count toward it. Last evaluated 2024-04-12.

Conditions:
Charcot-Marie-Tooth disease. Also called: Charcot-Marie-Tooth Hereditary Neuropathy; Charcot-Marie-Tooth Neuropathy. Identifiers: Orphanet 166, MedGen C0007959, MONDO:0015626.

Submissions (3):

GeneDx
Classification: Pathogenic. Last evaluated: 2024-04-12. Review status: criteria provided, single submitter. Criteria: GeneDx Variant Classification Process June 2021. Collection method: clinical testing. Allele origin: germline. Affected: yes.
Comment: Reported in the published literature in association with X-linked Charcot-Marie-Tooth disease (PMID: 9361298); Missense variants in this gene are a common cause of disease and they are underrepresented in the general population; Published functional studies demonstrate a damaging effect on protein function (PMID: 10354417); In silico analysis supports that this missense variant has a deleterious effect on protein structure/function; Not observed at significant frequency in large population cohorts (gnomAD); This variant is associated with the following publications: (PMID: 10354417, 9361298, 21291455)

CeGaT Center for Human Genetics Tuebingen
Classification: Uncertain significance. Last evaluated: 2023-10-01. Review status: criteria provided, single submitter. Criteria: CeGaT Center For Human Genetics Tuebingen Variant Classification Criteria Version 2. Collection method: clinical testing. Allele origin: germline. Affected: yes. Observed: 1 variant allele.
Comment: GJB1: PM2, PM5, PS4:Supporting

Inherited Neuropathy Consortium
Classification: Uncertain significance for Charcot-Marie-Tooth disease. Review status: no assertion criteria provided. Collection method: literature only. Allele origin: germline. Affected: yes. Not counted in ClinVar's aggregate classification.

Literature cited by the submitters: PubMed 9361298 (cited by Inherited Neuropathy Consortium).